The following is an entry in ClinVar:

NM_018960.6(GNMT):c.788G>T (p.Gly263Val)

Genes: CNPY3-GNMT (CNPY3-GNMT readthrough; plus strand), GNMT (glycine N-methyltransferase; plus strand). Cytogenetic location: 6p21.1.
Variant type: single nucleotide variant.
Coding change: c.788G>T on transcript NM_018960.6 (MANE Select); coding-DNA position 788, G replaced by T.
Protein change: p.Gly263Val; replaces glycine 263 with valine.
Molecular consequence: missense variant. On other transcripts: non-coding transcript variant (4).
Genome position (GRCh38, 1-based): chr6:42,963,606, G>T. VCF-style: chr6-42963606-G-T. GRCh37 (hg19) VCF-style: chr6-42931344-G-T.
Other names: c.590G>T, p.Gly197Val (NM_001318856.2); c.605G>T, p.Gly202Val (NM_001318857.2); c.497G>T, p.Gly166Val (NM_001318858.2); c.731G>T, p.Gly244Val (NM_001318865.2); short protein forms G166V, G202V, G244V, G263V, G197V.
Identifiers: ClinVar variation 2918709 (VCV002918709.3), dbSNP rs2481186225, ClinGen allele CA364148149.

ClinVar aggregate classification (germline): Uncertain significance (1 of 4 stars; one submission).

gnomAD v4.1: 3 of 1,614,210 alleles (0.00019%); highest among the groups gnomAD compares: Admixed American, 0.0017%; no homozygotes.

Submission:

Labcorp Genetics (formerly Invitae), Labcorp
Classification: Uncertain significance. Last evaluated: 2023-03-10. Review status: criteria provided, single submitter. Criteria: Invitae Variant Classification Sherloc (09022015). Collection method: clinical testing. Allele origin: germline.
Comment: This sequence change replaces glycine, which is neutral and non-polar, with valine, which is neutral and non-polar, at codon 263 of the GNMT protein (p.Gly263Val). This variant is not present in population databases (gnomAD no frequency). This variant has not been reported in the literature in individuals affected with GNMT-related conditions. Advanced modeling of protein sequence and biophysical properties (such as structural, functional, and spatial information, amino acid conservation, physicochemical variation, residue mobility, and thermodynamic stability) performed at Invitae indicates that this missense variant is not expected to disrupt GNMT protein function. In summary, the available evidence is currently insufficient to determine the role of this variant in disease. Therefore, it has been classified as a Variant of Uncertain Significance.